The following is an entry in ClinVar:

ClinVar aggregate classification (germline): Uncertain significance (1 of 4 stars; one submission).

Conditions:
Xeroderma pigmentosum, group F (XPF). Also called: ERCC4-Related Xeroderma Pigmentosum; XERODERMA PIGMENTOSUM, COMPLEMENTATION GROUP F; XERODERMA PIGMENTOSUM, TYPE F; Xeroderma pigmentosum, type 6; XERODERMA PIGMENTOSUM VI; XP, GROUP F. Identifiers: MedGen C0268140, MONDO:0010215, OMIM 278760.
Cockayne syndrome. Identifiers: Orphanet 191, MedGen C0009207, MONDO:0016006.
Fanconi anemia complementation group Q. Identifiers: Orphanet 84, MedGen C3808988, MONDO:0014108, OMIM 615272.

gnomAD v4.1: 2 of 1,614,188 alleles (0.00012%); highest among the groups gnomAD compares: Non-Finnish European, 0.000085%; no homozygotes.

Submission:

Labcorp Genetics (formerly Invitae), Labcorp
Classification: Uncertain significance for Fanconi anemia complementation group Q; Xeroderma pigmentosum, group F; Cockayne syndrome. Last evaluated: 2025-02-12. Review status: criteria provided, single submitter. Criteria: Invitae Variant Classification Sherloc (09022015). Collection method: clinical testing. Allele origin: germline.
Comment: This sequence change replaces glycine, which is neutral and non-polar, with arginine, which is basic and polar, at codon 513 of the ERCC4 protein (p.Gly513Arg). This variant is present in population databases (rs769679311, gnomAD 0.0009%). This missense change has been observed in individual(s) with xeroderma pigmentosa (PMID: 9580660). This variant is also known as p.Gly502Arg. Invitae Evidence Modeling of protein sequence and biophysical properties (such as structural, functional, and spatial information, amino acid conservation, physicochemical variation, residue mobility, and thermodynamic stability) indicates that this missense variant is not expected to disrupt ERCC4 protein function with a negative predictive value of 80%. Experimental studies have shown that this missense change does not substantially affect ERCC4 function (PMID: 26453996). In summary, the available evidence is currently insufficient to determine the role of this variant in disease. Therefore, it has been classified as a Variant of Uncertain Significance.

Literature cited by the submitters: PubMed 9580660; PubMed 26453996.

NM_005236.3(ERCC4):c.1537G>A (p.Gly513Arg)

Gene: ERCC4 (ERCC excision repair 4, endonuclease catalytic subunit; plus strand). Cytogenetic location: 16p13.12.
Variant type: single nucleotide variant.
Coding change: c.1537G>A on transcript NM_005236.3 (MANE Select); coding-DNA position 1537, G replaced by A.
Protein change: p.Gly513Arg; replaces glycine 513 with arginine.
Molecular consequence: missense variant.
Genome position (GRCh38, 1-based): chr16:13,935,469, G>A. VCF-style: chr16-13935469-G-A. GRCh37 (hg19) VCF-style: chr16-14029326-G-A.
Other names: short protein forms G513R.
Identifiers: ClinVar variation 4782757 (VCV004782757.1).
Genomic context (GRCh38, chr16:13,935,469, plus strand): 5'-ACCTTAACTCAAATGGTAGGAAAACCTGAAGAACTGGAAGAGGAAGGAGATGTCGAGGAA[G>A]GATATCGTCGAGAAATAAGCAGTAGCCCAGAAAGCTGCCCGGAAGAAATTAAGCATGAAG-3'
Protein context (NP_005227.1, residues 503-523): ELEEEGDVEE[Gly513Arg]YRREISSSPE